The following is an entry in ClinVar:

NM_000173.7(GP1BA):c.1365C>T (p.Ile455=)

Gene: GP1BA (glycoprotein Ib platelet subunit alpha; plus strand). Cytogenetic location: 17p13.2.
Variant type: single nucleotide variant.
Coding change: c.1365C>T on transcript NM_000173.7 (MANE Select); coding-DNA position 1365, C replaced by T.
Protein change: p.Ile455=; no amino-acid change (isoleucine 455 retained).
Molecular consequence: synonymous variant.
Genome position (GRCh38, 1-based): chr17:4,933,969, C>T. VCF-style: chr17-4933969-C-T. GRCh37 (hg19) VCF-style: chr17-4837264-C-T.
Identifiers: ClinVar variation 3045611 (VCV003045611.2), dbSNP rs12939463, ClinGen allele CA8314982.

ClinVar aggregate classification (germline): Likely benign (0 of 4 stars; one submission).

Conditions:
GP1BA-related disorder. Also called: GP1BA-related condition.

Allele frequency attached by ClinVar (database versions not stated): TOPMed 0.00002; ExAC 0.00003.

Submission:

PreventionGenetics, part of Exact Sciences
Classification: Likely benign for GP1BA-related condition. Last evaluated: 2019-10-22. Review status: no assertion criteria provided. Collection method: clinical testing. Allele origin: germline.
Comment: This variant is classified as likely benign based on ACMG/AMP sequence variant interpretation guidelines (Richards et al. 2015 PMID: 25741868, with internal and published modifications).